The following is an entry in ClinVar:

ClinVar aggregate classification (germline): Uncertain significance. Review status: criteria provided, multiple submitters, no conflicts (2 of 4 stars). 4 submissions from 4 submitters: Uncertain significance (4). Last evaluated 2025-06-09.

Conditions:
Hereditary cancer-predisposing syndrome. Also called: Tumor predisposition; Hereditary Cancer Syndrome; Neoplastic Syndromes, Hereditary; Hereditary neoplastic syndrome. Identifiers: Orphanet 140162, MedGen C0027672, MeSH D009386, MONDO:0015356.
Ataxia-telangiectasia syndrome (AT). Also called: LOUIS-BAR SYNDROME; Cerebello-oculocutaneous telangiectasia; Immunodeficiency with ataxia telangiectasia; ATAXIA-TELANGIECTASIA, COMPLEMENTATION GROUP A; ATAXIA-TELANGIECTASIA, FRESNO VARIANT; Ataxia-telangiectasia. Identifiers: Orphanet 100, MedGen C0004135, MONDO:0008840, OMIM 208900.

gnomAD v4.1: 9 of 1,614,074 alleles (0.00056%); highest among the groups gnomAD compares: Non-Finnish European, 0.00076%; no homozygotes.

Submissions (4):

Labcorp Genetics (formerly Invitae), Labcorp
Classification: Uncertain significance for Ataxia-telangiectasia syndrome. Last evaluated: 2025-06-09. Review status: criteria provided, single submitter. Criteria: Invitae Variant Classification Sherloc (09022015). Collection method: clinical testing. Allele origin: germline.
Comment: This sequence change replaces proline, which is neutral and non-polar, with leucine, which is neutral and non-polar, at codon 960 of the ATM protein (p.Pro960Leu). This variant is not present in population databases (gnomAD no frequency). This variant has not been reported in the literature in individuals affected with ATM-related conditions. ClinVar contains an entry for this variant (Variation ID: 127360). Invitae Evidence Modeling of protein sequence and biophysical properties (such as structural, functional, and spatial information, amino acid conservation, physicochemical variation, residue mobility, and thermodynamic stability) indicates that this missense variant is not expected to disrupt ATM protein function with a negative predictive value of 95%. In summary, the available evidence is currently insufficient to determine the role of this variant in disease. Therefore, it has been classified as a Variant of Uncertain Significance.

Ambry Genetics
Classification: Uncertain significance for Hereditary cancer-predisposing syndrome. Last evaluated: 2025-04-14. Review status: criteria provided, single submitter. Criteria: Ambry Variant Classification Scheme 2023. Collection method: clinical testing. Allele origin: germline.
Comment: The p.P960L variant (also known as c.2879C>T), located in coding exon 18 of the ATM gene, results from a C to T substitution at nucleotide position 2879. The proline at codon 960 is replaced by leucine, an amino acid with similar properties. This amino acid position is not well conserved in available vertebrate species. In addition, this alteration is predicted to be tolerated by in silico analysis. Since supporting evidence is limited at this time, the clinical significance of this alteration remains unclear.

GeneDx
Classification: Uncertain significance. Last evaluated: 2020-07-15. Review status: criteria provided, single submitter. Criteria: GeneDx Variant Classification Process June 2021. Collection method: clinical testing. Allele origin: germline. Affected: yes.
Comment: Not observed in large population cohorts (Lek 2016); In silico analysis supports that this missense variant has a deleterious effect on protein structure/function; Has not been previously published as pathogenic or benign to our knowledge

Color Diagnostics, LLC DBA Color Health
Classification: Uncertain significance for Hereditary cancer-predisposing syndrome. Last evaluated: 2019-08-15. Review status: criteria provided, single submitter. Criteria: ACMG Guidelines, 2015. Collection method: clinical testing. Allele origin: germline.
Comment: This missense variant replaces proline with leucine at codon 960 of the ATM protein. Computational prediction tools and conservation analyses suggest that this variant may not impact the protein function. Computational splicing tools suggest that this variant may not impact RNA splicing. To our knowledge, functional assays have not been performed for this variant nor has this variant been reported in individuals affected with hereditary cancer in the literature. This variant has not been identified in the general population by the Genome Aggregation Database (gnomAD). Available evidence is insufficient to determine the role of this variant in disease conclusively. Therefore, this variant is classified as a Variant of Uncertain Significance.

NM_000051.4(ATM):c.2879C>T (p.Pro960Leu)

Gene: ATM (ATM serine/threonine kinase; plus strand). Cytogenetic location: 11q22.3.
Variant type: single nucleotide variant.
Coding change: c.2879C>T on transcript NM_000051.4 (MANE Select); coding-DNA position 2879, C replaced by T.
Protein change: p.Pro960Leu; replaces proline 960 with leucine.
Molecular consequence: missense variant.
Genome position (GRCh38, 1-based): chr11:108,271,104, C>T. VCF-style: chr11-108271104-C-T. GRCh37 (hg19) VCF-style: chr11-108141831-C-T.
Other names: p.P960L:CCC>CTC; c.2879C>T, p.Pro960Leu (NM_001351834.2); short protein forms P960L.
Identifiers: ClinVar variation 127360 (VCV000127360.18), dbSNP rs587779828, ClinGen allele CA286782.